The following is an entry in ClinVar:

NM_138691.3(TMC1):c.589G>A (p.Gly197Arg)

Gene: TMC1 (transmembrane channel like 1; plus strand). Cytogenetic location: 9q21.13.
Variant type: single nucleotide variant.
Coding change: c.589G>A on transcript NM_138691.3 (MANE Select); coding-DNA position 589, G replaced by A.
Protein change: p.Gly197Arg; replaces glycine 197 with arginine.
Molecular consequence: missense variant.
Genome position (GRCh38, 1-based): chr9:72,751,903, G>A. VCF-style: chr9-72751903-G-A. GRCh37 (hg19) VCF-style: chr9-75366819-G-A.
Other names: short protein forms G197R.
Identifiers: ClinVar variation 2735277 (VCV002735277.5), dbSNP rs753687760, ClinGen allele CA5081723.

ClinVar aggregate classification (germline): Pathogenic/Likely pathogenic. Review status: criteria provided, multiple submitters, no conflicts (2 of 4 stars). 3 submissions from 3 submitters: Pathogenic (2); Likely pathogenic (1). Last evaluated 2026-09-16.

Conditions:
Autosomal recessive nonsyndromic hearing loss 7. Also called: DEAFNESS, AUTOSOMAL RECESSIVE 11. Identifiers: Orphanet 90636, MedGen C1832978, MONDO:0010967, OMIM 600974.
Nonsyndromic genetic hearing loss. Also called: Nonsyndromic genetic deafness; Non-syndromic genetic deafness; Nonsyndromic hearing loss and deafness. Identifiers: Orphanet 87884, MedGen C5680182, MONDO:0019497.

Allele frequency attached by ClinVar (database versions not stated): ExAC 0.00001; gnomAD exomes below 0.00001.
gnomAD v4.1: 3 of 1,613,628 alleles (0.00019%); highest among the groups gnomAD compares: Middle Eastern, 0.017%; no homozygotes.

Submissions (3):

Institute of Rare Diseases, West China Hospital, Sichuan University
Classification: Likely pathogenic for Autosomal recessive nonsyndromic hearing loss 7. Last evaluated: 2026-09-16. Review status: criteria provided, single submitter. Criteria: ClinGen HL ACMG Specifications v1. Collection method: research. Allele origin: germline. Affected: yes.
Comment: This c.589G>A is a missense variant. This variant is extremely rare in general‑population databases(PM2_Supporting);Transmutation with another pathogenic TMC1 variant detected in multiple affected probands (PM3_Strong). ACMG classification: Likely Pathogenic(PM2_Supporting,PM3_Strong)(PMID:33423255,PMID:23690975,PMID:35982127)

Women's Health and Genetics/Laboratory Corporation of America, LabCorp
Classification: Pathogenic for Nonsyndromic genetic hearing loss. Last evaluated: 2025-09-18. Review status: criteria provided, single submitter. Criteria: LabCorp Variant Classification Summary - May 2015. Collection method: clinical testing. Allele origin: germline.
Comment: Variant summary: TMC1 c.589G>A (p.Gly197Arg) results in a non-conservative amino acid change in the encoded protein sequence. Algorithms developed to predict the effect of missense changes on protein structure and function are either unavailable or do not agree on the potential impact of this missense change. The variant allele was found at a frequency of 4e-06 in 251322 control chromosomes. c.589G>A has been observed in multiple compound heterozygous individuals affected with Nonsyndromic Hearing Loss And Deafness, Type 7 (Gao_2013, Ren_2021, Wu_2022)). These data indicate that the variant is very likely to be associated with disease. To our knowledge, no experimental evidence demonstrating an impact on protein function has been reported. The following publications have been ascertained in the context of this evaluation (PMID: 23690975, 33423255, 35982127). ClinVar contains an entry for this variant (Variation ID: 2735277). Based on the evidence outlined above, the variant was classified as pathogenic.

Labcorp Genetics (formerly Invitae), Labcorp
Classification: Pathogenic. Last evaluated: 2023-12-05. Review status: criteria provided, single submitter. Criteria: Invitae Variant Classification Sherloc (09022015). Collection method: clinical testing. Allele origin: germline.
Comment: This sequence change replaces glycine, which is neutral and non-polar, with arginine, which is basic and polar, at codon 197 of the TMC1 protein (p.Gly197Arg). This variant is present in population databases (rs753687760, gnomAD 0.006%). This missense change has been observed in individual(s) with autosomal recessive deafness (PMID: 23690975, 35982127). In at least one individual the data is consistent with being in trans (on the opposite chromosome) from a pathogenic variant. It has also been observed to segregate with disease in related individuals. Advanced modeling of protein sequence and biophysical properties (such as structural, functional, and spatial information, amino acid conservation, physicochemical variation, residue mobility, and thermodynamic stability) performed at Invitae indicates that this missense variant is expected to disrupt TMC1 protein function with a positive predictive value of 80%. Algorithms developed to predict the effect of sequence changes on RNA splicing suggest that this variant may disrupt the consensus splice site. For these reasons, this variant has been classified as Pathogenic.

Literature cited by the submitters: PubMed 33423255 (cited by Institute of Rare Diseases, West China Hospital, Sichuan University and Women's Health and Genetics/Laboratory Corporation of America, LabCorp); PubMed 23690975 (cited by 3 submitters); PubMed 35982127 (cited by 3 submitters).